The following is an entry in ClinVar:

NM_001079537.2(TRAPPC6B):c.124C>T (p.Arg42Ter)

Gene: TRAPPC6B (trafficking protein particle complex subunit 6B; minus strand). Cytogenetic location: 14q21.1.
Variant type: single nucleotide variant.
Coding change: c.124C>T on transcript NM_001079537.2 (MANE Select); coding-DNA position 124, C replaced by T.
Protein change: p.Arg42Ter; replaces arginine 42 with a stop codon.
Molecular consequence: nonsense.
Genome position (GRCh38, 1-based): chr14:39,159,508, G>A on the plus strand (C>T on the coding strand, the complement: TRAPPC6B is on the minus strand). VCF-style: chr14-39159508-G-A. GRCh37 (hg19) VCF-style: chr14-39628712-G-A.
Other names: c.124C>T, p.Arg42Ter (NM_177452.4); short protein forms R42*.
Identifiers: ClinVar variation 488424 (VCV000488424.4), dbSNP rs377626365, ClinGen allele CA7162858.

ClinVar aggregate classification (germline): Pathogenic. Review status: criteria provided, multiple submitters, no conflicts (2 of 4 stars). 3 submissions from 3 submitters: Pathogenic (2). 1 of the submissions does not count toward it. Last evaluated 2026-08-06.

Conditions:
Neurodevelopmental disorder with microcephaly, epilepsy, and brain atrophy. Identifiers: MedGen C4693390, MONDO:0060640, OMIM 617862.

Allele frequency attached by ClinVar (database versions not stated): gnomAD 0.00004 and 0.00003; gnomAD exomes 0.00001 and 0.00002; ExAC 0.00002; TOPMed 0.00004; ESP Exome Variant Server 0.00008; 1000 Genomes Project 30x 0.00016; 1000 Genomes Project 0.00020.
gnomAD v4.1: 34 of 1,605,118 alleles (0.0021%); highest among the groups gnomAD compares: African/African-American, 0.0067%; no homozygotes.

Submissions (3):

OLLIN Analises Genomicas, OLLIN
Classification: Pathogenic for Neurodevelopmental disorder with microcephaly, epilepsy, and brain atrophy. Last evaluated: 2026-08-06. Review status: criteria provided, single submitter. Criteria: ACMG Guidelines 2015 PMID 25741868. Collection method: clinical testing. Allele origin: germline. Inheritance: Autosomal recessive inheritance.
Comment: This nonsense variant, located in exon 2 (of 6), has been reported in ClinVar (accession VCV000488424.3) and in gnomAD with an allele frequency of 0.0021%. However, to our knowledge, it has not been reported in the scientific literature. This variant introduces a premature stop codon, which is predicted to result in either a truncated protein or degradation of the mRNA via nonsense-mediated decay (NMD). According to the currently available evidence, this variant has been classified as pathogenic (PVS1, PM2_P, PM3_P).

Women's Health and Genetics/Laboratory Corporation of America, LabCorp
Classification: Pathogenic for Neurodevelopmental disorder with microcephaly, epilepsy, and brain atrophy. Last evaluated: 2024-08-02. Review status: criteria provided, single submitter. Criteria: LabCorp Variant Classification Summary - May 2015. Collection method: clinical testing. Allele origin: germline.
Comment: Variant summary: TRAPPC6B c.124C>T (p.Arg42X) results in a premature termination codon, predicted to cause absence of the protein due to nonsense mediated decay, which is a commonly known mechanisms for disease. The variant allele was found at a frequency of 8.1e-06 in 246868 control chromosomes (gnomAD). c.124C>T has been reported in the literature in individuals affected with Neurodevelopmental Disorder With Microcephaly, Epilepsy, And Brain Atrophy (Almousa_2023). These data indicate that the variant is very likely to be associated with disease. The following publications have been ascertained in the context of this evaluation (PMID: 28397838, 37713627). ClinVar contains an entry for this variant (Variation ID: 488424). Based on the evidence outlined above, the variant was classified as pathogenic.

OMIM
Classification: Pathogenic for NEURODEVELOPMENTAL DISORDER WITH MICROCEPHALY, EPILEPSY, AND BRAIN ATROPHY. Last evaluated: 2018-03-26. Review status: no assertion criteria provided. Collection method: literature only. Allele origin: germline. Not counted in ClinVar's aggregate classification.

Literature cited by the submitters: PubMed 28397838 (cited by Women's Health and Genetics/Laboratory Corporation of America, LabCorp and OMIM); PubMed 37713627 (cited by Women's Health and Genetics/Laboratory Corporation of America, LabCorp).